The following is an entry in ClinVar:

NM_012330.4(KAT6B):c.955C>A (p.Pro319Thr)

Gene: KAT6B (lysine acetyltransferase 6B; plus strand). Cytogenetic location: 10q22.2.
Variant type: single nucleotide variant.
Coding change: c.955C>A on transcript NM_012330.4 (MANE Select); coding-DNA position 955, C replaced by A.
Protein change: p.Pro319Thr; replaces proline 319 with threonine.
Molecular consequence: missense variant. On other transcripts: intron variant (5).
Genome position (GRCh38, 1-based): chr10:74,972,533, C>A. VCF-style: chr10-74972533-C-A. GRCh37 (hg19) VCF-style: chr10-76732291-C-A.
Other names: c.955C>A, p.Pro319Thr (NM_001256468.2, NM_001256469.2, NM_001370132.1 and 7 more transcripts); c.928+2432C>A (NM_001370143.1, NM_001370144.1); c.192+12455C>A (NM_001370135.1); c.846+2758C>A (NM_001370133.1); c.193-6691C>A (NM_001370134.1); short protein forms P319T.
Identifiers: ClinVar variation 4882530 (VCV004882530.2).

ClinVar aggregate classification (germline): Uncertain significance (1 of 4 stars; one submission).

Submission:

Dasa
Classification: Uncertain significance. Last evaluated: 2026-03-26. Review status: criteria provided, single submitter. Criteria: DASA Assertion Criteria. Collection method: clinical testing. Allele origin: germline.
Comment: NM_012330.4(KAT6B):c.955C>A (p.Pro319Thr) is a missense variant that results in the substitution of proline with threonine. This variant is rare in population databases. The currently available literature and clinical evidence are not sufficient to establish a definitive association between this variant and the reported condition. Therefore, this variant is classified as a variant of uncertain significance.